The following is an entry in ClinVar:

GRCh37/hg19 9p24.1(chr9:5304531-5335597)x1

Genes: RLN1 (relaxin 1; minus strand), RLN2 (relaxin 2; minus strand). Cytogenetic location: 9p24.1.
Variant type: copy number loss.
Change: copy number 1 (one copy instead of two) of chr9:5,304,531-5,335,597 (31.1 kb, GRCh37 coordinates, 1-based), cytogenetic band 9p24.1.
Identifiers: ClinVar variation 394741 (VCV000394741.3).

ClinVar aggregate classification (germline): Benign/Likely benign (0 of 4 stars; one submission).

Submission:

ISCA Site 6
Classification: Benign/Likely benign. Review status: no assertion criteria provided. Collection method: clinical testing. Allele origin: unknown. Affected: yes. Observed: 7 variant alleles. Clinical features observed: Developmental delay AND/OR other significant developmental or morphological phenotypes.
Comment: Likely benign (2), Benign (5)

Copy number variation identified through the course of routine clinical cytogenomic testing in postnatal populations, with clinical assertions as classified by the original submitter. For data from the original published study, Kaminsky, et al. 2011 (PubMed 21844811), please see nstd101.